The following is an entry in ClinVar:

ClinVar aggregate classification (germline): Conflicting classifications of pathogenicity. Review status: criteria provided, conflicting classifications (1 of 4 stars). 3 submissions from 3 submitters: Uncertain significance (2); Likely benign (1). Last evaluated 2025-12-05.

Allele frequency attached by ClinVar (database versions not stated): TOPMed below 0.00001.
gnomAD v4.1: 2 of 1,614,116 alleles (0.00012%); highest among the groups gnomAD compares: Admixed American, 0.0017%; no homozygotes.

Submissions (3):

Labcorp Genetics (formerly Invitae), Labcorp
Classification: Uncertain significance. Last evaluated: 2025-12-05. Review status: criteria provided, single submitter. Criteria: Invitae Variant Classification Sherloc (09022015). Collection method: clinical testing. Allele origin: germline.
Comment: This sequence change replaces valine, which is neutral and non-polar, with leucine, which is neutral and non-polar, at codon 744 of the ARID1B protein (p.Val744Leu). This variant is not present in population databases (gnomAD no frequency). This variant has not been reported in the literature in individuals affected with ARID1B-related conditions. ClinVar contains an entry for this variant (Variation ID: 1686463). Invitae Evidence Modeling of protein sequence and biophysical properties (such as structural, functional, and spatial information, amino acid conservation, physicochemical variation, residue mobility, and thermodynamic stability) indicates that this missense variant is not expected to disrupt ARID1B protein function with a negative predictive value of 95%. In summary, the available evidence is currently insufficient to determine the role of this variant in disease. Therefore, it has been classified as a Variant of Uncertain Significance.

Mendelics
Classification: Uncertain significance. Last evaluated: 2022-05-04. Review status: criteria provided, single submitter. Criteria: Mendelics Assertion Criteria 2019. Collection method: clinical testing. Allele origin: germline.

Laboratorio de Genetica e Diagnostico Molecular, Hospital Israelita Albert Einstein
Classification: Likely benign. Last evaluated: 2021-07-08. Review status: criteria provided, single submitter. Criteria: ACMG Guidelines, 2015. Collection method: clinical testing. Allele origin: germline. Affected: yes.
Comment: ACMG classification criteria: BS1, BP4

NM_001374828.1(ARID1B):c.2440G>T (p.Val814Leu)

Gene: ARID1B (AT-rich interaction domain 1B; plus strand). Cytogenetic location: 6q25.3.
Variant type: single nucleotide variant.
Coding change: c.2440G>T on transcript NM_001374828.1 (MANE Select); coding-DNA position 2440, G replaced by T.
Protein change: p.Val814Leu; replaces valine 814 with leucine.
Molecular consequence: missense variant. On other transcripts: 5 prime UTR variant (1).
Genome position (GRCh38, 1-based): chr6:157,084,854, G>T. VCF-style: chr6-157084854-G-T. GRCh37 (hg19) VCF-style: chr6-157405988-G-T.
Other names: c.-60G>T (NM_001363725.2); c.2479G>T, p.Val827Leu (NM_001371656.1, NM_001374820.1); c.2440G>T, p.Val814Leu (NM_017519.3); short protein forms V814L, V827L.
Identifiers: ClinVar variation 1686463 (VCV001686463.8), dbSNP rs765365713, ClinGen allele CA150838689.